The following is an entry in ClinVar:

ClinVar aggregate classification (germline): Uncertain significance. Review status: criteria provided, multiple submitters, no conflicts (2 of 4 stars). 3 submissions from 3 submitters: Uncertain significance (3). Last evaluated 2023-10-05.

Conditions:
Hereditary cancer-predisposing syndrome. Also called: Hereditary neoplastic syndrome; Tumor predisposition; Neoplastic Syndromes, Hereditary; Hereditary Cancer Syndrome. Identifiers: Orphanet 140162, MedGen C0027672, MeSH D009386, MONDO:0015356.
Oligodontia-cancer predisposition syndrome. Also called: TOOTH AGENESIS-COLORECTAL CANCER SYNDROME. Identifiers: Orphanet 300576, MedGen C1837750, MONDO:0012075, OMIM 608615. Disease mechanism: loss of function.

Allele frequency attached by ClinVar (database versions not stated): gnomAD exomes below 0.00001; ESP Exome Variant Server 0.00008.
gnomAD v4.1: 1 of 1,610,580 alleles (0.000062%); highest among the groups gnomAD compares: Non-Finnish European, 0.000085%; no homozygotes.

Submissions (3):

Labcorp Genetics (formerly Invitae), Labcorp
Classification: Uncertain significance for Oligodontia-cancer predisposition syndrome. Last evaluated: 2023-10-05. Review status: criteria provided, single submitter. Criteria: Invitae Variant Classification Sherloc (09022015). Collection method: clinical testing. Allele origin: germline.
Comment: This sequence change replaces lysine, which is basic and polar, with arginine, which is basic and polar, at codon 80 of the AXIN2 protein (p.Lys80Arg). This variant is not present in population databases (gnomAD no frequency). This variant has not been reported in the literature in individuals affected with AXIN2-related conditions. ClinVar contains an entry for this variant (Variation ID: 571774). Advanced modeling of protein sequence and biophysical properties (such as structural, functional, and spatial information, amino acid conservation, physicochemical variation, residue mobility, and thermodynamic stability) performed at Invitae indicates that this missense variant is not expected to disrupt AXIN2 protein function. In summary, the available evidence is currently insufficient to determine the role of this variant in disease. Therefore, it has been classified as a Variant of Uncertain Significance.

GeneDx
Classification: Uncertain significance. Last evaluated: 2022-09-26. Review status: criteria provided, single submitter. Criteria: GeneDx Variant Classification Process June 2021. Collection method: clinical testing. Allele origin: germline. Affected: yes.
Comment: Not observed at significant frequency in large population cohorts (gnomAD); In silico analysis supports that this missense variant does not alter protein structure/function; Has not been previously published as pathogenic or benign to our knowledge

Ambry Genetics
Classification: Uncertain significance for Hereditary cancer-predisposing syndrome. Last evaluated: 2021-11-10. Review status: criteria provided, single submitter. Criteria: Ambry Variant Classification Scheme 2023. Collection method: clinical testing. Allele origin: germline.
Comment: The p.K80R variant (also known as c.239A>G), located in coding exon 1 of the AXIN2 gene, results from an A to G substitution at nucleotide position 239. The lysine at codon 80 is replaced by arginine, an amino acid with highly similar properties. This amino acid position is conserved. In addition, this alteration is predicted to be tolerated by in silico analysis. Since supporting evidence is limited at this time, the clinical significance of this alteration remains unclear.

NM_004655.4(AXIN2):c.239A>G (p.Lys80Arg)

Gene: AXIN2 (axin 2; minus strand). Cytogenetic location: 17q24.1.
Variant type: single nucleotide variant.
Coding change: c.239A>G on transcript NM_004655.4 (MANE Select); coding-DNA position 239, A replaced by G.
Protein change: p.Lys80Arg; replaces lysine 80 with arginine.
Molecular consequence: missense variant.
Genome position (GRCh38, 1-based): chr17:65,558,382, T>C on the plus strand (A>G on the coding strand, the complement: AXIN2 is on the minus strand). VCF-style: chr17-65558382-T-C. GRCh37 (hg19) VCF-style: chr17-63554500-T-C.
Other names: c.239A>G (LRG_296t1); c.239A>G, p.Lys80Arg (NM_001363813.1); short protein forms K80R.
Identifiers: ClinVar variation 571774 (VCV000571774.11), dbSNP rs369009135, ClinGen allele CA293107241.